The following is an entry in ClinVar:

NM_203446.3(SYNJ1):c.-56G>T

Gene: SYNJ1 (synaptojanin 1; minus strand). Cytogenetic location: 21q22.11.
Variant type: single nucleotide variant.
Coding change: c.-56G>T on transcript NM_203446.3 (MANE Select); 56 bases upstream of the start codon, G replaced by T.
Molecular consequence: 5 prime UTR variant. On other transcripts: missense variant (1).
Genome position (GRCh38, 1-based): chr21:32,727,979, C>A on the plus strand (G>T on the coding strand, the complement: SYNJ1 is on the minus strand). VCF-style: chr21-32727979-C-A. GRCh37 (hg19) VCF-style: chr21-34100290-C-A.
Other names: c.62G>T, p.Cys21Phe (NM_003895.4); short protein forms C21F.
Identifiers: ClinVar variation 961827 (VCV000961827.7), dbSNP rs1486511197, ClinGen allele CA410078740.

ClinVar aggregate classification (germline): Uncertain significance. Review status: criteria provided, multiple submitters, no conflicts (2 of 4 stars). 2 submissions from 2 submitters: Uncertain significance (2). Last evaluated 2023-12-20.

Conditions:
Early-onset Parkinson disease 20. Also called: PARKINSON DISEASE 20, AUTOSOMAL RECESSIVE EARLY-ONSET. Identifiers: Orphanet 391411, MedGen C3809824, MONDO:0014233, OMIM 615530.
Developmental and epileptic encephalopathy, 53. Also called: Epileptic encephalopathy, early infantile, 53. Identifiers: MedGen C4479313, MONDO:0033362, OMIM 617389.

Allele frequency attached by ClinVar (database versions not stated): TOPMed below 0.00001; gnomAD exomes 0.00001.

Submissions (2):

Human Genetics Laboratory, State University of Rio de Janeiro
Classification: Uncertain significance for Early-onset Parkinson disease 20. Last evaluated: 2023-12-20. Review status: criteria provided, single submitter. Criteria: ACMG Guidelines, 2015. Collection method: research. Allele origin: unknown. Affected: yes.

Labcorp Genetics (formerly Invitae), Labcorp
Classification: Uncertain significance for Developmental and epileptic encephalopathy, 53; Early-onset Parkinson disease 20. Last evaluated: 2022-07-25. Review status: criteria provided, single submitter. Criteria: Invitae Variant Classification Sherloc (09022015). Collection method: clinical testing. Allele origin: germline.
Comment: This sequence change replaces cysteine, which is neutral and slightly polar, with phenylalanine, which is neutral and non-polar, at codon 21 of the SYNJ1 protein (p.Cys21Phe). This variant is present in population databases (no rsID available, gnomAD 0.002%). This variant has not been reported in the literature in individuals affected with SYNJ1-related conditions. ClinVar contains an entry for this variant (Variation ID: 961827). Algorithms developed to predict the effect of missense changes on protein structure and function are either unavailable or do not agree on the potential impact of this missense change (SIFT: "Deleterious"; PolyPhen-2: "Benign"; Align-GVGD: "Class C0"). In summary, the available evidence is currently insufficient to determine the role of this variant in disease. Therefore, it has been classified as a Variant of Uncertain Significance.